The following is an entry in ClinVar:

ClinVar aggregate classification (germline): Likely benign (1 of 4 stars; one submission).

Allele frequency attached by ClinVar (database versions not stated): gnomAD exomes 0.00001; ExAC 0.00002.
gnomAD v4.1: 7 of 1,613,300 alleles (0.00043%); highest among the groups gnomAD compares: South Asian, 0.0055%; no homozygotes.

Submission:

CeGaT Center for Human Genetics Tuebingen
Classification: Likely benign. Last evaluated: 2023-09-01. Review status: criteria provided, single submitter. Criteria: CeGaT Center For Human Genetics Tuebingen Variant Classification Criteria Version 2. Collection method: clinical testing. Allele origin: germline. Affected: yes. Observed: 1 variant allele.
Comment: SETD2: BP4, BP7

NM_014159.7(SETD2):c.5322T>C (p.His1774=)

Gene: SETD2 (SET domain containing 2, histone lysine methyltransferase; minus strand). Cytogenetic location: 3p21.31.
Variant type: single nucleotide variant.
Coding change: c.5322T>C on transcript NM_014159.7 (MANE Select); coding-DNA position 5322, T replaced by C.
Protein change: p.His1774=; no amino-acid change (histidine 1774 retained).
Molecular consequence: synonymous variant. On other transcripts: non-coding transcript variant (1).
Genome position (GRCh38, 1-based): chr3:47,086,270, A>G on the plus strand (T>C on the coding strand, the complement: SETD2 is on the minus strand). VCF-style: chr3-47086270-A-G. GRCh37 (hg19) VCF-style: chr3-47127760-A-G.
Other names: c.5190T>C, p.His1730= (NM_001349370.3).
Identifiers: ClinVar variation 2653744 (VCV002653744.24), dbSNP rs765319535, ClinGen allele CA2362929.